The following is an entry in ClinVar:

ClinVar aggregate classification (germline): Pathogenic/Likely pathogenic. Review status: criteria provided, multiple submitters, no conflicts (2 of 4 stars). 5 submissions from 5 submitters: Pathogenic (3); Likely pathogenic (2). Last evaluated 2026-06-29.

Conditions:
Glutathione synthetase deficiency without 5-oxoprolinuria. Also called: ANEMIA, CONGENITAL, NONSPHEROCYTIC HEMOLYTIC, 6. Identifiers: Orphanet 289849, Orphanet 32, MedGen C1856399, MONDO:0009284, OMIM 231900.
Glutathione synthetase deficiency with 5-oxoprolinuria. Also called: PYROGLUTAMIC ACIDURIA; 5-Oxoprolinuria; Reduced glutathione synthetase level; Gluthathione synthetase deficiency; 5-OXOPROLINURIA DUE TO GLUTATHIONE SYNTHETASE DEFICIENCY. Identifiers: Orphanet 289846, MedGen C0398746, MONDO:0009947, OMIM 266130, HP:0003343.

Allele frequency attached by ClinVar (database versions not stated): gnomAD 0.00001; gnomAD exomes 0.00002.

Submissions (5):

Women's Health and Genetics/Laboratory Corporation of America, LabCorp
Classification: Pathogenic for Glutathione synthetase deficiency with 5-oxoprolinuria. Last evaluated: 2026-06-29. Review status: criteria provided, single submitter. Criteria: LabCorp Variant Classification Summary - May 2015. Collection method: clinical testing. Allele origin: germline.
Comment: Variant summary: GSS c.1252C>T (p.Arg418X) results in a premature termination codon, predicted to cause a truncation of the encoded protein or absence of the protein due to nonsense mediated decay, which are commonly known mechanisms for disease. Loss-of-function variants in this gene are known to be pathogenic. The variant allele was found at a frequency of 2e-05 in 251386 control chromosomes. c.1252C>T has been observed in trans with a pathogenic variant in one individual affected with GSS-related Glutathione synthetase deficiency (Li_2015). To our knowledge, no experimental evidence demonstrating an impact on protein function has been reported. The following publication have been ascertained in the context of this evaluation (PMID: 25851806). ClinVar contains an entry for this variant (Variation ID: 2736961). Based on the evidence outlined above, the variant was classified as pathogenic.

Dasa
Classification: Likely pathogenic. Last evaluated: 2024-08-20. Review status: criteria provided, single submitter. Criteria: DASA Assertion Criteria. Collection method: clinical testing. Allele origin: germline.
Comment: NM_000178.4(GSS):c.1252C>T (p.Arg418*) introduces a premature termination codon predicted to result in loss of normal protein function. Loss-of-function is an established mechanism of disease for this gene. This variant has been reported in individuals with related phenotype (PMID: 25851806). Multiple computational predictions support a deleterious effect on the gene or gene product. The variant is present at low frequency in population datasets. Based on the available data, this variant is classified as likely pathogenic.

Fulgent Genetics
Classification: Likely pathogenic for Glutathione synthetase deficiency without 5-oxoprolinuria; Glutathione synthetase deficiency with 5-oxoprolinuria. Last evaluated: 2024-06-07. Review status: criteria provided, single submitter. Criteria: ACMG Guidelines, 2015. Collection method: clinical testing. Allele origin: germline.

Labcorp Genetics (formerly Invitae), Labcorp
Classification: Pathogenic for Glutathione synthetase deficiency with 5-oxoprolinuria. Last evaluated: 2023-09-10. Review status: criteria provided, single submitter. Criteria: Invitae Variant Classification Sherloc (09022015). Collection method: clinical testing. Allele origin: germline.
Comment: This sequence change creates a premature translational stop signal (p.Arg418*) in the GSS gene. It is expected to result in an absent or disrupted protein product. Loss-of-function variants in GSS are known to be pathogenic (PMID: 12638941, 15717202). For these reasons, this variant has been classified as Pathogenic. This premature translational stop signal has been observed in individual(s) with glutathione synthetase deficiency (PMID: 25851806). This variant is present in population databases (no rsID available, gnomAD 0.006%).

Department of Pathology and Laboratory Medicine, Sinai Health System
Classification: Pathogenic for Glutathione synthetase deficiency without 5-oxoprolinuria; Glutathione synthetase deficiency with 5-oxoprolinuria. Last evaluated: 2023-08-14. Review status: criteria provided, single submitter. Criteria: ACMG Guidelines, 2015. Collection method: research. Allele origin: germline.

Literature cited by the submitters: PubMed 25851806 (cited by 3 submitters); PubMed 12638941 (cited by Labcorp Genetics (formerly Invitae), Labcorp); PubMed 15717202 (cited by Labcorp Genetics (formerly Invitae), Labcorp).

NM_000178.4(GSS):c.1252C>T (p.Arg418Ter)

Gene: GSS (glutathione synthetase; minus strand). Cytogenetic location: 20q11.22.
Variant type: single nucleotide variant.
Coding change: c.1252C>T on transcript NM_000178.4 (MANE Select); coding-DNA position 1252, C replaced by T.
Protein change: p.Arg418Ter; replaces arginine 418 with a stop codon.
Molecular consequence: nonsense.
Genome position (GRCh38, 1-based): chr20:34,929,450, G>A on the plus strand (C>T on the coding strand, the complement: GSS is on the minus strand). VCF-style: chr20-34929450-G-A. GRCh37 (hg19) VCF-style: chr20-33517253-G-A.
Other names: c.1252C>T, p.Arg418Ter (NM_001322494.1, NM_001322495.1); short protein forms R418*.
Identifiers: ClinVar variation 2736961 (VCV002736961.7), dbSNP rs1486049191, ClinGen allele CA408700333.
Genomic context (GRCh38, chr20:34,929,450, plus strand): 5'-GATTGGCTCACCTGACATAGACCCCAAAGATGCCCAGCTCTGAAATGCACTGGACCACTC[G>A]GGCAGGGCTGCCAGGCCGTAGCAGGCAATTCTCAAAAGGCTCAGGTTCGATCTTCTCCAT-3'